The following is an entry in ClinVar:

NM_000489.6(ATRX):c.4035G>C (p.Leu1345Phe)

Gene: ATRX (ATRX chromatin remodeler; minus strand). Cytogenetic location: Xq21.1.
Variant type: single nucleotide variant.
Coding change: c.4035G>C on transcript NM_000489.6 (MANE Select); coding-DNA position 4035, G replaced by C.
Protein change: p.Leu1345Phe; replaces leucine 1345 with phenylalanine.
Molecular consequence: missense variant.
Genome position (GRCh38, 1-based): chrX:77,663,467, C>G on the plus strand (G>C on the coding strand, the complement: ATRX is on the minus strand). VCF-style: chrX-77663467-C-G. GRCh37 (hg19) VCF-style: chrX-76918956-C-G.
Other names: c.4035G>C (NM_000489.3); c.3921G>C, p.Leu1307Phe (NM_138270.5); short protein forms L1307F, L1345F.
Identifiers: ClinVar variation 2147597 (VCV002147597.5), dbSNP rs111725949, ClinGen allele CA413699591.

ClinVar aggregate classification (germline): Conflicting classifications of pathogenicity. Review status: criteria provided, conflicting classifications (1 of 4 stars). 2 submissions from 2 submitters: Uncertain significance (1); Likely benign (1). Last evaluated 2023-12-11.

Conditions:
Alpha thalassemia-X-linked intellectual disability syndrome (ATRX). Also called: ALPHA-THALASSEMIA/MENTAL RETARDATION SYNDROME, X-LINKED; ATR, NONDELETION TYPE; ATR-X syndrome; Alpha thalassemia mental retardation syndrome, nondeletion type, X-linked; XLMR hypotonic face syndrome; X-linked alpha-thalassemia-mental retardation syndrome. Identifiers: Orphanet 847, MedGen C1845055, MONDO:0010519, OMIM 301040.

Allele frequency attached by ClinVar (database versions not stated): TOPMed below 0.00001.
gnomAD v4.1: 2 of 1,209,472 alleles (0.00017%); highest among the groups gnomAD compares: African/African-American, 0.0035%; no homozygotes.

Submissions (2):

Labcorp Genetics (formerly Invitae), Labcorp
Classification: Likely benign for Alpha thalassemia-X-linked intellectual disability syndrome. Last evaluated: 2023-12-11. Review status: criteria provided, single submitter. Criteria: Invitae Variant Classification Sherloc (09022015). Collection method: clinical testing. Allele origin: germline.

GeneDx
Classification: Uncertain significance. Last evaluated: 2023-01-18. Review status: criteria provided, single submitter. Criteria: GeneDx Variant Classification Process June 2021. Collection method: clinical testing. Allele origin: germline. Affected: yes.
Comment: Not observed at significant frequency in large population cohorts (gnomAD); In silico analysis supports that this missense variant does not alter protein structure/function; Has not been previously published as pathogenic or benign to our knowledge